The following is an entry in ClinVar:

NM_001953.5(TYMP):c.819G>A (p.Met273Ile)

Gene: TYMP (thymidine phosphorylase; minus strand). Cytogenetic location: 22q13.33.
Variant type: single nucleotide variant.
Coding change: c.819G>A on transcript NM_001953.5 (MANE Select); coding-DNA position 819, G replaced by A.
Protein change: p.Met273Ile; replaces methionine 273 with isoleucine.
Molecular consequence: missense variant.
Genome position (GRCh38, 1-based): chr22:50,526,685, C>T on the plus strand (G>A on the coding strand, the complement: TYMP is on the minus strand). VCF-style: chr22-50526685-C-T. GRCh37 (hg19) VCF-style: chr22-50965114-C-T.
Other names: c.819G>A, p.Met273Ile (NM_001113755.3, NM_001113756.3, NM_001257988.1 and 1 more transcripts); short protein forms M273I.
Identifiers: ClinVar variation 2887380 (VCV002887380.3), dbSNP rs1190901146, ClinGen allele CA412199317.

ClinVar aggregate classification (germline): Uncertain significance (1 of 4 stars; one submission).

Allele frequency attached by ClinVar (database versions not stated): gnomAD exomes below 0.00001; TOPMed 0.00001.

Submission:

Labcorp Genetics (formerly Invitae), Labcorp
Classification: Uncertain significance. Last evaluated: 2024-06-12. Review status: criteria provided, single submitter. Criteria: Invitae Variant Classification Sherloc (09022015). Collection method: clinical testing. Allele origin: germline.
Comment: This sequence change replaces methionine, which is neutral and non-polar, with isoleucine, which is neutral and non-polar, at codon 273 of the TYMP protein (p.Met273Ile). The frequency data for this variant in the population databases is considered unreliable, as metrics indicate poor data quality at this position in the gnomAD database. This variant has not been reported in the literature in individuals affected with TYMP-related conditions. Advanced modeling of protein sequence and biophysical properties (such as structural, functional, and spatial information, amino acid conservation, physicochemical variation, residue mobility, and thermodynamic stability) performed at Invitae indicates that this missense variant is expected to disrupt TYMP protein function with a positive predictive value of 95%. In summary, the available evidence is currently insufficient to determine the role of this variant in disease. Therefore, it has been classified as a Variant of Uncertain Significance.